The following is an entry in ClinVar:

ClinVar aggregate classification (germline): Likely benign. Review status: criteria provided, multiple submitters, no conflicts (2 of 4 stars). 3 submissions from 3 submitters: Likely benign (3). Last evaluated 2025-09-01.

Allele frequency attached by ClinVar (database versions not stated): gnomAD 0.00001; ESP Exome Variant Server 0.00008.
gnomAD v4.1: 33 of 1,553,676 alleles (0.0021%); highest among the groups gnomAD compares: Non-Finnish European, 0.0029%; no homozygotes.

Submissions (3):

CeGaT Center for Human Genetics Tuebingen
Classification: Likely benign. Last evaluated: 2025-09-01. Review status: criteria provided, single submitter. Criteria: CeGaT Center For Human Genetics Tuebingen Variant Classification Criteria Version 2. Collection method: clinical testing. Allele origin: germline. Affected: yes. Observed: 1 variant allele.
Comment: COL2A1: BP4, BP7

Labcorp Genetics (formerly Invitae), Labcorp
Classification: Likely benign. Last evaluated: 2024-09-16. Review status: criteria provided, single submitter. Criteria: Invitae Variant Classification Sherloc (09022015). Collection method: clinical testing. Allele origin: germline.

Blueprint Genetics
Classification: Likely benign. Last evaluated: 2023-08-07. Review status: criteria provided, single submitter. Criteria: ACMG Guidelines, 2015. Collection method: clinical testing. Allele origin: germline.

NM_001844.5(COL2A1):c.2403C>G (p.Gly801=)

Gene: COL2A1 (collagen type II alpha 1 chain; minus strand). Cytogenetic location: 12q13.11.
Variant type: single nucleotide variant.
Coding change: c.2403C>G on transcript NM_001844.5 (MANE Select); coding-DNA position 2403, C replaced by G.
Protein change: p.Gly801=; no amino-acid change (glycine 801 retained).
Molecular consequence: synonymous variant.
Genome position (GRCh38, 1-based): chr12:47,981,782, G>C on the plus strand (C>G on the coding strand, the complement: COL2A1 is on the minus strand). VCF-style: chr12-47981782-G-C. GRCh37 (hg19) VCF-style: chr12-48375565-G-C.
Other names: c.2196C>G, p.Gly732= (NM_033150.3).
Identifiers: ClinVar variation 2201728 (VCV002201728.12), dbSNP rs145766709, ClinGen allele CA6535120.